The following is an entry in ClinVar:

ClinVar aggregate classification (germline): Conflicting classifications of pathogenicity. Review status: criteria provided, conflicting classifications (1 of 4 stars). 5 submissions from 5 submitters: Pathogenic (1); Uncertain significance (2); Likely benign (2). Last evaluated 2026-01-15.

Conditions:
Cardiomyopathy (CMYO). Also called: Cardiomyopathies. Identifiers: Orphanet 167848, MedGen C0878544, MONDO:0004994, HP:0001638. Inheritance: Various modes of inheritance.
Atrial fibrillation, familial, 12 (ATFB12). Identifiers: MedGen C3279695, MONDO:0013545, OMIM 614050.
Hypertrichotic osteochondrodysplasia Cantu type. Also called: Cantú Syndrome; Cantu Syndrome. Identifiers: Orphanet 1517, MedGen C0795905, MONDO:0009406, OMIM 239850.
Dilated cardiomyopathy 1O (CMD1O). Also called: CARDIOMYOPATHY, DILATED, WITH VENTRICULAR TACHYCARDIA. Identifiers: Orphanet 154, MedGen C1837839, MONDO:0012062, OMIM 608569.
Intellectual disability. Also called: Intellectual functioning disability; intellectual disabilities; Intellectual developmental disorder. Identifiers: MedGen C3714756, MeSH D008607, MONDO:0001071, HP:0001249.

Allele frequency attached by ClinVar (database versions not stated): TOPMed 0.00043; ESP Exome Variant Server 0.00040.

Submissions (5):

Labcorp Genetics (formerly Invitae), Labcorp
Classification: Likely benign for Dilated cardiomyopathy 1O. Last evaluated: 2026-01-15. Review status: criteria provided, single submitter. Criteria: Invitae Variant Classification Sherloc (09022015). Collection method: clinical testing. Allele origin: germline.

CHEO Genetics Diagnostic Laboratory, Children's Hospital of Eastern Ontario
Classification: Uncertain significance for Cardiomyopathy. Last evaluated: 2020-04-23. Review status: criteria provided, single submitter. Criteria: ACMG Guidelines, 2015. Collection method: clinical testing. Allele origin: germline.

Cambridge Genomics Laboratory, East Genomic Laboratory Hub, NHS Genomic Medicine Service
Classification: Uncertain significance for Intellectual disability. Last evaluated: 2019-10-18. Review status: criteria provided, single submitter. Criteria: ACGS Best Practice Guidelines for Variant Classification in Rare Disease 2020. Collection method: clinical testing. Allele origin: germline. Affected: yes. Observed: 1 variant allele.

Biesecker Lab/Clinical Genomics Section, National Institutes of Health
Classification: Likely benign. Last evaluated: 2013-06-24. Review status: criteria provided, single submitter. Criteria: Ng et al. (Circ Cardiovasc Genet. 2013). Collection method: research. Allele origin: unknown. Observed: 3 variant alleles. Study: ClinSeq.
Comment: The study set was not selected for affection status in relation to any cancer. Pathogenicity categories were based on literature curation. See Pubmed ID:23861362 for details.

Medical sequencing

Baylor Genetics
Classification: Pathogenic for Atrial fibrillation, familial, 12; Dilated cardiomyopathy 1O; Hypertrichotic osteochondrodysplasia Cantu type. Last evaluated: 2012-08-10. Review status: criteria provided, single submitter. Criteria: ACMG Guidelines, 2015. Collection method: clinical testing. Allele origin: germline. Affected: yes.

NM_020297.4(ABCC9):c.4512+746_4512+747insT

Genes: KCNJ8-AS1 (KCNJ8 antisense RNA 1; plus strand), ABCC9 (ATP binding cassette subfamily C member 9; minus strand). Cytogenetic location: 12p12.1.
Variant type: Insertion.
Coding change: c.4512+746_4512+747insT on transcript NM_020297.4 (MANE Select); bases 746 to 747 of the intron after coding-DNA position 4512, T inserted.
Molecular consequence: intron variant. On other transcripts: frameshift variant (1).
Genome position: GRCh38 VCF-style: chr12-21805251-C-CA. GRCh37 (hg19) VCF-style: chr12-21958185-C-CA.
Other names: c.4572_4573insT, p.Val1525fs (NM_005691.4); c.3645+746_3645+747insT (NM_001377274.1); c.4512+746_4512+747insT (NM_001377273.1); short protein forms V1525fs.
Identifiers: ClinVar variation 192108 (VCV000192108.13), dbSNP rs761784169, ClinGen allele CA238373.
Genomic context (GRCh38, chr12:21,805,251, plus strand): 5'-CCAAAGTGGAAAAGAGGCCATTCTTGTGGGCGAGCAAATTTGGGACAGTATCACACTCCA[C>CA]TAAAATACCCTCAGAAAAGACTAAAACAAGGCCTGCATCCATAATAGAAGAGACACGGTG-3'